The following is an entry in ClinVar:

NM_021072.4(HCN1):c.2099C>A (p.Thr700Asn)

Gene: HCN1 (hyperpolarization activated cyclic nucleotide gated potassium channel 1; minus strand). Cytogenetic location: 5p12.
Variant type: single nucleotide variant.
Coding change: c.2099C>A on transcript NM_021072.4 (MANE Select); coding-DNA position 2099, C replaced by A.
Protein change: p.Thr700Asn; replaces threonine 700 with asparagine.
Molecular consequence: missense variant.
Genome position (GRCh38, 1-based): chr5:45,262,495, G>T on the plus strand (C>A on the coding strand, the complement: HCN1 is on the minus strand). VCF-style: chr5-45262495-G-T. GRCh37 (hg19) VCF-style: chr5-45262597-G-T.
Other names: c.2099C>A (NM_021072.3); short protein forms T700N.
Identifiers: ClinVar variation 1492733 (VCV001492733.10), dbSNP rs1352995652, ClinGen allele CA359704057.

ClinVar aggregate classification (germline): Uncertain significance. Review status: criteria provided, multiple submitters, no conflicts (2 of 4 stars). 2 submissions from 2 submitters: Uncertain significance (2). Last evaluated 2025-08-12.

Conditions:
Early-infantile DEE. Also called: Early infantile epileptic encephalopathy; Early infantile epileptic encephalopathy with suppression bursts; Ohtahara syndrome. Identifiers: Orphanet 1934, MedGen C0393706, MONDO:0800491.
Inborn genetic diseases. Identifiers: MedGen C0950123, MeSH D030342.

Allele frequency attached by ClinVar (database versions not stated): gnomAD exomes below 0.00001 and 0.00001; TOPMed 0.00002; gnomAD 0.00003 and 0.00004.
gnomAD v4.1: 10 of 1,613,582 alleles (0.00062%); highest among the groups gnomAD compares: African/African-American, 0.011%; no homozygotes.

Submissions (2):

Ambry Genetics
Classification: Uncertain significance for Inborn genetic diseases. Last evaluated: 2025-08-12. Review status: criteria provided, single submitter. Criteria: Ambry Variant Classification Scheme 2023. Collection method: clinical testing. Allele origin: germline.

Labcorp Genetics (formerly Invitae), Labcorp
Classification: Uncertain significance for Early-infantile DEE. Last evaluated: 2024-02-03. Review status: criteria provided, single submitter. Criteria: Invitae Variant Classification Sherloc (09022015). Collection method: clinical testing. Allele origin: germline.
Comment: This sequence change replaces threonine, which is neutral and polar, with asparagine, which is neutral and polar, at codon 700 of the HCN1 protein (p.Thr700Asn). This variant is present in population databases (no rsID available, gnomAD 0.008%). This variant has not been reported in the literature in individuals affected with HCN1-related conditions. ClinVar contains an entry for this variant (Variation ID: 1492733). Advanced modeling of protein sequence and biophysical properties (such as structural, functional, and spatial information, amino acid conservation, physicochemical variation, residue mobility, and thermodynamic stability) performed at Invitae indicates that this missense variant is not expected to disrupt HCN1 protein function with a negative predictive value of 80%. In summary, the available evidence is currently insufficient to determine the role of this variant in disease. Therefore, it has been classified as a Variant of Uncertain Significance.